The following is an entry in ClinVar:

NM_001159699.2(FHL1):c.494_496del (p.Tyr165del)

Gene: FHL1 (four and a half LIM domains 1; plus strand). Cytogenetic location: Xq26.3.
Variant type: Deletion.
Coding change: c.494_496del on transcript NM_001159699.2 (MANE Select); coding-DNA positions 494 to 496, 3 bases deleted (ACT; older notation c.494_496delACT).
Protein change: p.Tyr165del; deletes tyrosine 165.
Molecular consequence: inframe deletion. On other transcripts: non-coding transcript variant (1).
Genome position (GRCh38, 1-based): chrX:136,207,906-136,207,908, ACT deleted; deleting any 3 consecutive bases within chrX:136,207,904-136,207,908 gives the same sequence; the c. name uses the placement nearest the transcript's 3' end. VCF-style (leftmost placement, unchanged base first): chrX-136207903-TCTA-T. GRCh37 (hg19) VCF-style: chrX-135290062-TCTA-T.
Other names: c.446_448del, p.Tyr149del (NM_001159700.2, NM_001159702.3, NM_001159703.2 and 9 more transcripts); c.533_535del, p.Tyr178del (NM_001159701.2); c.494_496del, p.Tyr165del (NM_001330659.2); short protein forms Y149del, Y165del, Y178del.
Identifiers: ClinVar variation 289568 (VCV000289568.11), dbSNP rs886044209, ClinGen allele CA10606483.

ClinVar aggregate classification (germline): Uncertain significance. Review status: criteria provided, multiple submitters, no conflicts (2 of 4 stars). 2 submissions from 2 submitters: Uncertain significance (2). Last evaluated 2022-06-17.

Conditions:
X-linked myopathy with postural muscle atrophy. Also called: FHL1-Related Emery-Dreifuss Muscular Dystrophy, X-Linked. Identifiers: Orphanet 178461, MedGen C2678055, MONDO:0010401, OMIM 300696.

Submissions (2):

Labcorp Genetics (formerly Invitae), Labcorp
Classification: Uncertain significance for X-linked myopathy with postural muscle atrophy. Last evaluated: 2022-06-17. Review status: criteria provided, single submitter. Criteria: Invitae Variant Classification Sherloc (09022015). Collection method: clinical testing. Allele origin: germline.
Comment: In summary, the available evidence is currently insufficient to determine the role of this variant in disease. Therefore, it has been classified as a Variant of Uncertain Significance. Experimental studies and prediction algorithms are not available or were not evaluated, and the functional significance of this variant is currently unknown. ClinVar contains an entry for this variant (Variation ID: 289568). This variant has been observed in individuals with clinical features of FHL1-related conditions (PMID: 31273321; Invitae). This variant is not present in population databases (gnomAD no frequency). This variant, c.446_448del, results in the deletion of 1 amino acid(s) of the FHL1 protein (p.Tyr149del), but otherwise preserves the integrity of the reading frame.

Eurofins Ntd Llc (ga)
Classification: Uncertain significance. Last evaluated: 2016-07-25. Review status: criteria provided, single submitter. Criteria: EGL Classification Definitions 2015. Collection method: clinical testing. Allele origin: germline. Observed: 2 variant alleles, 2 heterozygotes.

Literature cited by the submitters: PubMed 31273321 (cited by Labcorp Genetics (formerly Invitae), Labcorp).